The following is an entry in ClinVar:

NM_015559.3(SETBP1):c.1610C>A (p.Pro537Gln)

Gene: SETBP1 (SET binding protein 1; plus strand). Cytogenetic location: 18q12.3.
Variant type: single nucleotide variant.
Coding change: c.1610C>A on transcript NM_015559.3 (MANE Select); coding-DNA position 1610, C replaced by A.
Protein change: p.Pro537Gln; replaces proline 537 with glutamine.
Molecular consequence: missense variant.
Genome position (GRCh38, 1-based): chr18:44,950,950, C>A. VCF-style: chr18-44950950-C-A. GRCh37 (hg19) VCF-style: chr18-42530915-C-A.
Other names: c.1610C>A, p.Pro537Gln (NM_001379141.1, NM_001379142.1); c.1610C>A (NM_015559.2); short protein forms P537Q.
Identifiers: ClinVar variation 1516983 (VCV001516983.7), dbSNP rs893030950, ClinGen allele CA299697710.

ClinVar aggregate classification (germline): Conflicting classifications of pathogenicity. Review status: criteria provided, conflicting classifications (1 of 4 stars). 2 submissions from 2 submitters: Uncertain significance (1); Likely benign (1). Last evaluated 2026-02-25.

Conditions:
Inborn genetic diseases. Identifiers: MedGen C0950123, MeSH D030342.

Allele frequency attached by ClinVar (database versions not stated): gnomAD exomes below 0.00001; TOPMed 0.00001.
gnomAD v4.1: 5 of 1,614,154 alleles (0.00031%); highest among the groups gnomAD compares: Admixed American, 0.0067%; no homozygotes.

Submissions (2):

Ambry Genetics
Classification: Uncertain significance for Inborn genetic diseases. Last evaluated: 2026-02-25. Review status: criteria provided, single submitter. Criteria: Ambry Variant Classification Scheme 2023. Collection method: clinical testing. Allele origin: germline.
Comment: The c.1610C>A (p.P537Q) alteration is located in exon 4 (coding exon 3) of the SETBP1 gene. This alteration results from a C to A substitution at nucleotide position 1610, causing the proline (P) at amino acid position 537 to be replaced by a glutamine (Q). Based on data from gnomAD, the A allele has an overall frequency of <0.001% (1/251118) total alleles studied. The highest observed frequency was 0.003% (1/34586) of Latino alleles. Based on insufficient or conflicting evidence, the clinical significance of this alteration remains unclear.

Labcorp Genetics (formerly Invitae), Labcorp
Classification: Likely benign. Last evaluated: 2024-10-22. Review status: criteria provided, single submitter. Criteria: Invitae Variant Classification Sherloc (09022015). Collection method: clinical testing. Allele origin: germline.